The following is an entry in ClinVar:

NM_017617.5(NOTCH1):c.3383C>T (p.Thr1128Met)

Gene: NOTCH1 (notch receptor 1; minus strand). Cytogenetic location: 9q34.3.
Variant type: single nucleotide variant.
Coding change: c.3383C>T on transcript NM_017617.5 (MANE Select); coding-DNA position 3383, C replaced by T.
Protein change: p.Thr1128Met; replaces threonine 1128 with methionine.
Molecular consequence: missense variant.
Genome position (GRCh38, 1-based): chr9:136,508,082, G>A on the plus strand (C>T on the coding strand, the complement: NOTCH1 is on the minus strand). VCF-style: chr9-136508082-G-A. GRCh37 (hg19) VCF-style: chr9-139402534-G-A.
Other names: short protein forms T1128M.
Identifiers: ClinVar variation 1730833 (VCV001730833.7), dbSNP rs1340595829, ClinGen allele CA375551411.

ClinVar aggregate classification (germline): Conflicting classifications of pathogenicity. Review status: criteria provided, conflicting classifications (1 of 4 stars). 3 submissions from 3 submitters: Uncertain significance (2); Likely benign (1). Last evaluated 2025-11-24.

Conditions:
Familial thoracic aortic aneurysm and aortic dissection (TAAD). Also called: Thoracic aortic aneurysms and dissections. Identifiers: Orphanet 91387, MedGen C4707243, MONDO:0019625.
Adams-Oliver syndrome 5 (AOS5). Identifiers: Orphanet 974, MedGen C4014970, MONDO:0014459, OMIM 616028.

Allele frequency attached by ClinVar (database versions not stated): TOPMed 0.00001.
gnomAD v4.1: 10 of 1,609,996 alleles (0.00062%); highest among the groups gnomAD compares: East Asian, 0.0022%; no homozygotes.

Submissions (3):

GeneDx
Classification: Uncertain significance. Last evaluated: 2025-11-24. Review status: criteria provided, single submitter. Criteria: GeneDx Variant Classification Process June 2021. Collection method: clinical testing. Allele origin: germline.
Comment: Not observed at significant frequency in large population cohorts (gnomAD); In silico analysis supports that this missense variant has a deleterious effect on protein structure/function; Has not been previously published as pathogenic or benign to our knowledge

Labcorp Genetics (formerly Invitae), Labcorp
Classification: Likely benign for Adams-Oliver syndrome 5. Last evaluated: 2025-08-20. Review status: criteria provided, single submitter. Criteria: Invitae Variant Classification Sherloc (09022015). Collection method: clinical testing. Allele origin: germline.

Ambry Genetics
Classification: Uncertain significance for Familial thoracic aortic aneurysm and aortic dissection. Last evaluated: 2021-09-26. Review status: criteria provided, single submitter. Criteria: Ambry Variant Classification Scheme 2023. Collection method: clinical testing. Allele origin: germline.
Comment: The p.T1128M variant (also known as c.3383C>T), located in coding exon 21 of the NOTCH1 gene, results from a C to T substitution at nucleotide position 3383. The threonine at codon 1128 is replaced by methionine, an amino acid with similar properties. This amino acid position is conserved. In addition, the in silico prediction for this alteration is inconclusive. Since supporting evidence is limited at this time, the clinical significance of this alteration remains unclear.